The following is an entry in ClinVar:

NM_001728.4(BSG):c.*238C>T

Gene: BSG (basigin (Ok blood group); plus strand). Cytogenetic location: 19p13.3.
Variant type: single nucleotide variant.
Coding change: c.*238C>T on transcript NM_001728.4 (MANE Select); 238 bases downstream of the stop codon, C replaced by T.
Molecular consequence: 3 prime UTR variant.
Genome position (GRCh38, 1-based): chr19:582,982, C>T. VCF-style: chr19-582982-C-T. GRCh37 (hg19) VCF-style: chr19-582982-C-T.
Other names: c.*234C>T (NM_001322243.2); c.*238C>T (NM_198589.3, NM_198590.3, NM_198591.4).
Identifiers: ClinVar variation 1241595 (VCV001241595.3), dbSNP rs11473, ClinGen allele CA303887357.
Genomic context (GRCh38, chr19:582,982, plus strand): 5'-TTAGGTTTTTTTCCTTCTGAAGTGTTTCACGAGAGCCCGGGAGCTGCTGCCCTGCGGCCC[C>T]GTCTGTGGCTTTCAGCCTCTGGGTCTGAGTCATGGCCGGGTGGGCGGCACAGCCTTCTCC-3'

ClinVar aggregate classification (germline): Benign. Review status: criteria provided, multiple submitters, no conflicts (2 of 4 stars). 2 submissions from 2 submitters: Benign (2). Last evaluated 2021-02-23.

Allele frequency attached by ClinVar (database versions not stated): gnomAD exomes 0.00286; gnomAD 0.02817 and 0.03018; 1000 Genomes Project 0.03514; 1000 Genomes Project 30x 0.03654.
gnomAD v4.1: 4,425 of 212,370 alleles (2.1%); highest among the groups gnomAD compares: African/African-American, 9.6%; 203 homozygotes.

Submissions (2):

GeneDx
Classification: Benign. Last evaluated: 2021-02-23. Review status: criteria provided, single submitter. Criteria: GeneDx Variant Classification Process June 2021. Collection method: clinical testing. Allele origin: germline. Affected: yes.
Comment: This variant is associated with the following publications: (PMID: 27420938)

Breakthrough Genomics
Classification: Benign. Review status: criteria provided, single submitter. Criteria: ACMG Guidelines, 2015. Collection method: not provided. Allele origin: germline. Inheritance: Unknown mechanism. Affected: yes.